The following is an entry in ClinVar:

ClinVar aggregate classification (germline): Uncertain significance (1 of 4 stars; one submission).

Conditions:
Nephronophthisis. Also called: Juvenile Nephronophthisis. Identifiers: Orphanet 655, MedGen C0687120, MONDO:0019005, HP:0000090.

Submission:

Labcorp Genetics (formerly Invitae), Labcorp
Classification: Uncertain significance for Nephronophthisis. Last evaluated: 2018-12-23. Review status: criteria provided, single submitter. Criteria: Invitae Variant Classification Sherloc (09022015). Collection method: clinical testing. Allele origin: germline.
Comment: This sequence change replaces leucine with glutamine at codon 261 of the IQCB1 protein (p.Leu261Gln). The leucine residue is highly conserved and there is a moderate physicochemical difference between leucine and glutamine. In summary, the available evidence is currently insufficient to determine the role of this variant in disease. Therefore, it has been classified as a Variant of Uncertain Significance. Algorithms developed to predict the effect of missense changes on protein structure and function are either unavailable or do not agree on the potential impact of this missense change (SIFT: "Deleterious"; PolyPhen-2: "Benign"; Align-GVGD: "Class C0"). This variant has not been reported in the literature in individuals with IQCB1-related conditions. This variant is not present in population databases (ExAC no frequency).

NM_001023570.4(IQCB1):c.782T>A (p.Leu261Gln)

Gene: IQCB1 (IQ motif containing B1; minus strand). Cytogenetic location: 3q13.33.
Variant type: single nucleotide variant.
Coding change: c.782T>A on transcript NM_001023570.4 (MANE Select); coding-DNA position 782, T replaced by A.
Protein change: p.Leu261Gln; replaces leucine 261 with glutamine.
Molecular consequence: missense variant. On other transcripts: non-coding transcript variant (1), intron variant (1).
Genome position (GRCh38, 1-based): chr3:121,797,212, A>T on the plus strand (T>A on the coding strand, the complement: IQCB1 is on the minus strand). VCF-style: chr3-121797212-A-T. GRCh37 (hg19) VCF-style: chr3-121516059-A-T.
Other names: c.782T>A, p.Leu261Gln (NM_001319107.2); c.588-6997T>A (NM_001023571.4); short protein forms L261Q.
Identifiers: ClinVar variation 656712 (VCV000656712.8), dbSNP rs199959360, ClinGen allele CA354121028.